The following is an entry in ClinVar:

NM_181458.4(PAX3):c.813dup (p.Ala272fs)

Gene: PAX3 (paired box 3; minus strand). Cytogenetic location: 2q36.1.
Variant type: Duplication.
Coding change: c.813dup on transcript NM_181458.4 (MANE Select); coding-DNA position 813, one base duplicated (T; older notation c.813dupT).
Protein change: p.Ala272fs; shifts the reading frame from alanine 272.
Molecular consequence: frameshift variant.
Genome position (GRCh38, 1-based): chr2:222,221,367, A duplicated on the plus strand (T on the coding strand, the reverse complement: PAX3 is on the minus strand). VCF-style (leftmost placement, unchanged base first): chr2-222221366-C-CA. GRCh37 (hg19) VCF-style: chr2-223086085-C-CA.
Other names: c.810dup, p.Ala271fs (NM_001127366.3); c.813dup, p.Ala272fs (NM_181457.4, NM_181459.4, NM_181460.4 and 1 more transcripts); short protein forms A271fs, A272fs.
Identifiers: ClinVar variation 3038612 (VCV003038612.2), dbSNP rs2469252662, ClinGen allele CA2740096476.
Genomic context (GRCh38, chr2:222,221,366, plus strand): 5'-CGGGAATGAGATGGTTGAAAGCCATCAGTTGATTGGCCCCAGCTTGCTTCCTCCATCTTG[C>CA]ACGGCGGTTGCTAAACCAGACCTATGGATTTAATTTAAAATTTAAGGATTTCACTGATGA-3'

ClinVar aggregate classification (germline): Likely pathogenic (0 of 4 stars; one submission).

Conditions:
PAX3-related disorder. Also called: PAX3-related condition.

Submission:

PreventionGenetics, part of Exact Sciences
Classification: Likely pathogenic for PAX3-related condition. Last evaluated: 2023-12-05. Review status: no assertion criteria provided. Collection method: clinical testing. Allele origin: germline.
Comment: The PAX3 c.813dupT variant is predicted to result in a frameshift and premature protein termination (p.Ala272Cysfs*138). To our knowledge, this variant has not been reported in the literature or in a large population database, indicating this variant is rare. Frameshift variants in PAX3 are expected to be pathogenic. This variant is interpreted as likely pathogenic.